The following is an entry in ClinVar:

ClinVar aggregate classification (germline): Conflicting classifications of pathogenicity. Review status: criteria provided, conflicting classifications (1 of 4 stars). 6 submissions from 5 submitters: Uncertain significance (3); Likely benign (2). 1 of the submissions does not count toward it. Last evaluated 2025-11-19.

Conditions:
SYNE1-related disorder. Also called: SYNE1-related disorders; SYNE1-related disease; SYNE1-related condition.
Autosomal recessive ataxia, Beauce type. Also called: Spinocerebellar ataxia, autosomal recessive 8; ATAXIA, RECESSIVE, OF BEAUCE; SYNE1 Deficiency; SYNE1-Related Autosomal Recessive Cerebellar Ataxia. Identifiers: Orphanet 88644, MedGen C1853116, MONDO:0012549, OMIM 610743.
Emery-Dreifuss muscular dystrophy 4, autosomal dominant (EDMD4). Also called: EMERY-DREIFUSS MUSCULAR DYSTROPHY 4 WITH VARIABLE FEATURES. Identifiers: Orphanet 261, MedGen C2751807, MONDO:0013071, OMIM 612998.

Allele frequency attached by ClinVar (database versions not stated): gnomAD 0.00003 and 0.00004; ExAC 0.00004; gnomAD exomes 0.00004; TOPMed 0.00005.
gnomAD v4.1: 66 of 1,613,590 alleles (0.0041%); highest among the groups gnomAD compares: Non-Finnish European, 0.0051%; no homozygotes.

Submissions (6):

Labcorp Genetics (formerly Invitae), Labcorp
Classification: Likely benign for Emery-Dreifuss muscular dystrophy 4, autosomal dominant; Autosomal recessive ataxia, Beauce type. Last evaluated: 2025-11-19. Review status: criteria provided, single submitter. Criteria: Invitae Variant Classification Sherloc (09022015). Collection method: clinical testing. Allele origin: germline.

GeneDx
Classification: Likely benign. Last evaluated: 2019-07-03. Review status: criteria provided, single submitter. Criteria: GeneDx Variant Classification Process June 2021. Collection method: clinical testing. Allele origin: germline. Affected: yes.

Illumina Laboratory Services, Illumina
Classification: Uncertain significance for Autosomal recessive ataxia, Beauce type. Last evaluated: 2018-01-13. Review status: criteria provided, single submitter. Criteria: ICSL Variant Classification Criteria 13 December 2019. Collection method: clinical testing. Allele origin: germline.

Illumina Laboratory Services, Illumina
Classification: Uncertain significance for Emery-Dreifuss muscular dystrophy 4, autosomal dominant. Last evaluated: 2018-01-13. Review status: criteria provided, single submitter. Criteria: ICSL Variant Classification Criteria 13 December 2019. Collection method: clinical testing. Allele origin: germline.

Eurofins Ntd Llc (ga)
Classification: Uncertain significance. Last evaluated: 2016-02-23. Review status: criteria provided, single submitter. Criteria: EGL Classification Definitions 2015. Collection method: clinical testing. Allele origin: germline. Observed: 1 variant allele, 1 heterozygote.

PreventionGenetics, part of Exact Sciences
Classification: Likely benign for SYNE1-related condition. Last evaluated: 2023-03-20. Review status: no assertion criteria provided. Collection method: clinical testing. Allele origin: germline. Not counted in ClinVar's aggregate classification.
Comment: This variant is classified as likely benign based on ACMG/AMP sequence variant interpretation guidelines (Richards et al. 2015 PMID: 25741868, with internal and published modifications).

NM_182961.4(SYNE1):c.1125C>T (p.Asp375=)

Gene: SYNE1 (spectrin repeat containing nuclear envelope protein 1; minus strand). Cytogenetic location: 6q25.2.
Variant type: single nucleotide variant.
Coding change: c.1125C>T on transcript NM_182961.4 (MANE Select); coding-DNA position 1125, C replaced by T.
Protein change: p.Asp375=; no amino-acid change (aspartic acid 375 retained).
Molecular consequence: synonymous variant.
Genome position (GRCh38, 1-based): chr6:152,484,895, G>A on the plus strand (C>T on the coding strand, the complement: SYNE1 is on the minus strand). VCF-style: chr6-152484895-G-A. GRCh37 (hg19) VCF-style: chr6-152806030-G-A.
Other names: c.1146C>T, p.Asp382= (NM_033071.5).
Identifiers: ClinVar variation 286198 (VCV000286198.21), dbSNP rs569973824, ClinGen allele CA4059514.